The following is an entry in ClinVar:

NM_001794.5(CDH4):c.849C>T (p.Asn283=)

Gene: CDH4 (cadherin 4; plus strand). Cytogenetic location: 20q13.33.
Variant type: single nucleotide variant.
Coding change: c.849C>T on transcript NM_001794.5 (MANE Select); coding-DNA position 849, C replaced by T.
Protein change: p.Asn283=; no amino-acid change (asparagine 283 retained).
Molecular consequence: synonymous variant.
Genome position (GRCh38, 1-based): chr20:61,852,870, C>T. VCF-style: chr20-61852870-C-T. GRCh37 (hg19) VCF-style: chr20-60427926-C-T.
Other names: c.738C>T, p.Asn246= (NM_001252338.2); c.627C>T, p.Asn209= (NM_001252339.3).
Identifiers: ClinVar variation 771937 (VCV000771937.12), dbSNP rs139703524, ClinGen allele CA9934499.

ClinVar aggregate classification (germline): Benign/Likely benign. Review status: criteria provided, multiple submitters, no conflicts (2 of 4 stars). 3 submissions from 3 submitters: Benign (2); Likely benign (1). Last evaluated 2025-03-01.

Allele frequency attached by ClinVar (database versions not stated): 1000 Genomes Project 0.00120; 1000 Genomes Project 30x 0.00156; gnomAD exomes 0.00416 and 0.00560; ExAC 0.00435; gnomAD 0.00461 and 0.00482; TOPMed 0.00467; ESP Exome Variant Server 0.00500.
gnomAD v4.1: 8,761 of 1,613,958 alleles (0.54%); highest among the groups gnomAD compares: Non-Finnish European, 0.66%; 33 homozygotes.

Submissions (3):

CeGaT Center for Human Genetics Tuebingen
Classification: Likely benign. Last evaluated: 2025-03-01. Review status: criteria provided, single submitter. Criteria: CeGaT Center For Human Genetics Tuebingen Variant Classification Criteria Version 2. Collection method: clinical testing. Allele origin: germline. Affected: yes. Observed: 1 variant allele.
Comment: CDH4: BP4, BP7, BS2

Labcorp Genetics (formerly Invitae), Labcorp
Classification: Benign. Last evaluated: 2019-12-31. Review status: criteria provided, single submitter. Criteria: Invitae Variant Classification Sherloc (09022015). Collection method: clinical testing. Allele origin: germline.

Breakthrough Genomics
Classification: Benign. Review status: criteria provided, single submitter. Criteria: ACMG Guidelines, 2015. Collection method: not provided. Allele origin: germline. Inheritance: Unknown mechanism. Affected: yes.